The following is an entry in ClinVar:

ClinVar aggregate classification (germline): Likely benign. Review status: criteria provided, multiple submitters, no conflicts (2 of 4 stars). 2 submissions from 2 submitters: Likely benign (2). Last evaluated 2018-06-19.

Allele frequency attached by ClinVar (database versions not stated): gnomAD exomes 0.00109; ExAC 0.00210; gnomAD 0.00373 and 0.00395; TOPMed 0.00396; ESP Exome Variant Server 0.00438; 1000 Genomes Project 0.00499; 1000 Genomes Project 30x 0.00531.
gnomAD v4.1: 1,182 of 1,537,206 alleles (0.077%); highest among the groups gnomAD compares: African/African-American, 1.3%; 10 homozygotes.

Submissions (2):

GeneDx
Classification: Likely benign. Last evaluated: 2018-06-19. Review status: criteria provided, single submitter. Criteria: GeneDx Variant Classification (06012015). Collection method: clinical testing. Allele origin: germline. Affected: yes.
Comment: This variant is considered likely benign or benign based on one or more of the following criteria: it is a conservative change, it occurs at a poorly conserved position in the protein, it is predicted to be benign by multiple in silico algorithms, and/or has population frequency not consistent with disease.

Breakthrough Genomics
Classification: Likely benign. Review status: criteria provided, single submitter. Criteria: ACMG Guidelines, 2015. Collection method: not provided. Allele origin: germline. Inheritance: Autosomal recessive inheritance. Affected: yes.

NM_001171155.2(PET100):c.115-28G>A

Genes: PET100 (PET100 cytochrome c oxidase chaperone; plus strand), STXBP2 (syntaxin binding protein 2; plus strand). Cytogenetic location: 19p13.2.
Variant type: single nucleotide variant.
Coding change: c.115-28G>A on transcript NM_001171155.2 (MANE Select); 28 bases into the intron before coding-DNA position 115, G replaced by A.
Molecular consequence: intron variant.
Genome position (GRCh38, 1-based): chr19:7,630,795, G>A. VCF-style: chr19-7630795-G-A. GRCh37 (hg19) VCF-style: chr19-7695681-G-A.
Identifiers: ClinVar variation 679496 (VCV000679496.2), dbSNP rs148296387, ClinGen allele CA9142845.